The following is an entry in ClinVar:

ClinVar aggregate classification (germline): Pathogenic/Likely pathogenic. Review status: criteria provided, multiple submitters, no conflicts (2 of 4 stars). 2 submissions from 2 submitters: Pathogenic (1); Likely pathogenic (1). Last evaluated 2025-10-21.

Conditions:
Hereditary pheochromocytoma and paraganglioma. Also called: Hereditary paragangliomas and pheochromocytomas; Hereditary Paraganglioma-Pheochromocytoma Syndromes; Hereditary pheochromocytoma-paraganglioma. Identifiers: Orphanet 29072, MedGen C4274332, MONDO:0017366.
Inherited phaeochromocytoma and paraganglioma excluding NF1.

Submissions (2):

NHS Central & South Genomic Laboratory Hub
Classification: Likely pathogenic for Inherited phaeochromocytoma and paraganglioma excluding NF1. Last evaluated: 2025-10-21. Review status: criteria provided, single submitter. Criteria: ACMG Guidelines, 2015. Collection method: clinical testing. Allele origin: germline. Affected: yes.

Labcorp Genetics (formerly Invitae), Labcorp
Classification: Pathogenic for Hereditary pheochromocytoma and paraganglioma. Last evaluated: 2024-11-22. Review status: criteria provided, single submitter. Criteria: Invitae Variant Classification Sherloc (09022015). Collection method: clinical testing. Allele origin: germline.
Comment: This sequence change creates a premature translational stop signal (p.Tyr2*) in the TMEM127 gene. It is expected to result in an absent or disrupted protein product. Loss-of-function variants in TMEM127 are known to be pathogenic (PMID: 20154675, 21156949). This variant is not present in population databases (gnomAD no frequency). This premature translational stop signal has been observed in individual(s) with pheochromocytoma (PMID: 33051659). For these reasons, this variant has been classified as Pathogenic.

Literature cited by the submitters: PubMed 20154675 (cited by Labcorp Genetics (formerly Invitae), Labcorp); PubMed 21156949 (cited by Labcorp Genetics (formerly Invitae), Labcorp); PubMed 33051659 (cited by Labcorp Genetics (formerly Invitae), Labcorp).

NM_017849.4(TMEM127):c.6C>A (p.Tyr2Ter)

Genes: TMEM127 (transmembrane protein 127; minus strand), LOC129934333 (ATAC-STARR-seq lymphoblastoid silent region 11759; plus strand). Cytogenetic location: 2q11.2.
Variant type: single nucleotide variant.
Coding change: c.6C>A on transcript NM_017849.4 (MANE Select); coding-DNA position 6, C replaced by A.
Protein change: p.Tyr2Ter; replaces tyrosine 2 with a stop codon.
Molecular consequence: nonsense. On other transcripts: intron variant (1).
Genome position (GRCh38, 1-based): chr2:96,265,376, G>T on the plus strand (C>A on the coding strand, the complement: TMEM127 is on the minus strand). VCF-style: chr2-96265376-G-T. GRCh37 (hg19) VCF-style: chr2-96931114-G-T.
Other names: c.6C>A, p.Tyr2Ter (NM_001193304.3); c.-9+493C>A (NM_001407283.1); short protein forms Y2*.
Identifiers: ClinVar variation 3664320 (VCV003664320.3).